The following is an entry in ClinVar:

NM_001374736.1(DST):c.5186T>G (p.Val1729Gly)

Gene: DST (dystonin; minus strand). Cytogenetic location: 6p12.1.
Variant type: single nucleotide variant.
Coding change: c.5186T>G on transcript NM_001374736.1 (MANE Select); coding-DNA position 5186, T replaced by G.
Protein change: p.Val1729Gly; replaces valine 1729 with glycine.
Molecular consequence: missense variant.
Genome position (GRCh38, 1-based): chr6:56,610,524, A>C on the plus strand (T>G on the coding strand, the complement: DST is on the minus strand). VCF-style: chr6-56610524-A-C. GRCh37 (hg19) VCF-style: chr6-56475322-A-C.
Other names: c.5087T>G, p.Val1696Gly (NM_001144769.5); c.4673T>G, p.Val1558Gly (NM_001144770.2); c.5186T>G, p.Val1729Gly (NM_001374722.1); c.4553T>G, p.Val1518Gly (NM_001374729.1, NM_001374730.1, NM_001386100.1 and 1 more transcripts); c.5213T>G, p.Val1738Gly (NM_001374734.1); c.3575T>G, p.Val1192Gly (NM_015548.5); short protein forms V1192G, V1558G, V1729G, V1696G, V1738G, V1518G.
Identifiers: ClinVar variation 1436918 (VCV001436918.6), dbSNP rs1275929311, ClinGen allele CA364561263.
Genomic context (GRCh38, chr6:56,610,524, plus strand): 5'-TCTTGTAGCTGTTTCAGAGATTCACTGAATAATAAATTATAACTTTCCTGAAGAGTTTTC[A>C]CTTGTTTTTCCAATTCATTTCTTTCTTCATCTGTCATTCTAAATAACCAGAAATGATAAA-3'
Protein context (NP_001361665.1, residues 1719-1739): DEERNELEKQ[Val1729Gly]KTLQESYNLL

ClinVar aggregate classification (germline): Uncertain significance (1 of 4 stars; one submission).

Conditions:
Epidermolysis bullosa simplex 3, localized or generalized intermediate, with BP230 deficiency (EBS3). Also called: Epidermolysis bullosa simplex due to BP230 deficiency; Epidermolysis bullosa simplex, autosomal recessive 2. Identifiers: Orphanet 412181, MedGen C3809470, MONDO:0014180, OMIM 615425.
Hereditary sensory and autonomic neuropathy type 6. Also called: HSAN VI; Neuropathy, hereditary sensory and autonomic, type VI. Identifiers: Orphanet 314381, MedGen C3539003, MONDO:0013839, OMIM 614653.

Allele frequency attached by ClinVar (database versions not stated): TOPMed below 0.00001; gnomAD 0.00001.
gnomAD v4.1: 1 of 1,565,620 alleles (0.000064%); highest among the groups gnomAD compares: African/African-American, 0.0014%; no homozygotes.

Submission:

Labcorp Genetics (formerly Invitae), Labcorp
Classification: Uncertain significance for Epidermolysis bullosa simplex 3, localized or generalized intermediate, with BP230 deficiency; Hereditary sensory and autonomic neuropathy type 6. Last evaluated: 2024-10-19. Review status: criteria provided, single submitter. Criteria: Invitae Variant Classification Sherloc (09022015). Collection method: clinical testing. Allele origin: germline.
Comment: The DST gene has multiple clinically relevant transcripts. This variant occurs in alternate transcript NM_015548.4, and corresponds to NM_001723.5:c.*4993T>G in the primary transcript. This sequence change replaces valine, which is neutral and non-polar, with glycine, which is neutral and non-polar, at codon 1192 of the DST protein (p.Val1192Gly). This variant is not present in population databases (gnomAD no frequency). This variant has not been reported in the literature in individuals affected with DST-related conditions. Experimental studies and prediction algorithms are not available or were not evaluated, and the functional significance of this variant is currently unknown. In summary, the available evidence is currently insufficient to determine the role of this variant in disease. Therefore, it has been classified as a Variant of Uncertain Significance.